The following is an entry in ClinVar:

ClinVar aggregate classification (germline): Uncertain significance (1 of 4 stars; one submission).

Conditions:
Renal cell carcinoma. Identifiers: Orphanet 217071, MedGen C0007134, MeSH D002292, MONDO:0005086, HP:0005584.

Submission:

Labcorp Genetics (formerly Invitae), Labcorp
Classification: Uncertain significance for Renal cell carcinoma. Last evaluated: 2025-12-08. Review status: criteria provided, single submitter. Criteria: Invitae Variant Classification Sherloc (09022015). Collection method: clinical testing. Allele origin: germline.
Comment: This sequence change replaces arginine, which is basic and polar, with glycine, which is neutral and non-polar, at codon 1245 of the MET protein (p.Arg1245Gly). This variant is not present in population databases (gnomAD no frequency). This variant has not been reported in the literature in individuals affected with MET-related conditions. ClinVar contains an entry for this variant (Variation ID: 1398370). Invitae Evidence Modeling of protein sequence and biophysical properties (such as structural, functional, and spatial information, amino acid conservation, physicochemical variation, residue mobility, and thermodynamic stability) indicates that this missense variant is expected to disrupt MET protein function with a positive predictive value of 80%. In summary, the available evidence is currently insufficient to determine the role of this variant in disease. Therefore, it has been classified as a Variant of Uncertain Significance.

NM_000245.4(MET):c.3679A>G (p.Arg1227Gly)

Gene: MET (MET proto-oncogene, receptor tyrosine kinase; plus strand). Cytogenetic location: 7q31.2.
Variant type: single nucleotide variant.
Coding change: c.3679A>G on transcript NM_000245.4 (MANE Select); coding-DNA position 3679, A replaced by G.
Protein change: p.Arg1227Gly; replaces arginine 1227 with glycine.
Molecular consequence: missense variant.
Genome position (GRCh38, 1-based): chr7:116,783,350, A>G. VCF-style: chr7-116783350-A-G. GRCh37 (hg19) VCF-style: chr7-116423404-A-G.
Other names: c.3733A>G, p.Arg1245Gly (NM_001127500.3); c.2389A>G, p.Arg797Gly (NM_001324402.2); short protein forms R1245G, R797G, R1227G.
Identifiers: ClinVar variation 1398370 (VCV001398370.6), dbSNP rs2117065927, ClinGen allele CA368991551.